The following is an entry in ClinVar:

NM_000498.3(CYP11B2):c.*735G>A

Genes: CYP11B2 (cytochrome P450 family 11 subfamily B member 2; minus strand), LOC106799834 (CYP11B2 recombination region; plus strand). Cytogenetic location: 8q24.3.
Variant type: single nucleotide variant.
Coding change: c.*735G>A on transcript NM_000498.3 (MANE Select); 735 bases downstream of the stop codon, G replaced by A.
Molecular consequence: 3 prime UTR variant.
Genome position (GRCh38, 1-based): chr8:142,911,245, C>T on the plus strand (G>A on the coding strand, the complement: CYP11B2 is on the minus strand). VCF-style: chr8-142911245-C-T. GRCh37 (hg19) VCF-style: chr8-143992661-C-T.
Identifiers: ClinVar variation 362180 (VCV000362180.9), dbSNP rs28491316, ClinGen allele CA10627310.

ClinVar aggregate classification (germline): Benign. Review status: criteria provided, multiple submitters, no conflicts (2 of 4 stars). 5 submissions from 3 submitters: Benign (5). Last evaluated 2020-07-14.

Conditions:
Corticosterone 18-monooxygenase deficiency. Also called: ALDOSTERONE DEFICIENCY DUE TO DEFECT IN STEROID 18-HYDROXYLASE; ALDOSTERONE DEFICIENCY I; CMO I DEFICIENCY; STEROID 18-HYDROXYLASE DEFICIENCY; 18 Hydroxylase deficiency; Aldosterone deficiency due to defect in 18 hydroxylase. Identifiers: Orphanet 427, MedGen C0268293, MONDO:0008751, OMIM 203400. Disease mechanism: loss of function.
Corticosterone methyloxidase type 2 deficiency. Also called: 18-OXIDASE DEFICIENCY; ALDOSTERONE DEFICIENCY DUE TO DEFICIENCY OF STEROID 18-OXIDASE; ALDOSTERONE DEFICIENCY II; CMO II DEFICIENCY; STEROID 18-OXIDASE DEFICIENCY. Identifiers: Orphanet 427, MedGen C3463917, MONDO:0012524, OMIM 610600. Disease mechanism: loss of function.
Glucocorticoid-remediable aldosteronism. Also called: Hyperaldosteronism, familial, type I; ACTH-DEPENDENT HYPERALDOSTERONISM SYNDROME; ALDOSTERONISM, SENSITIVE TO DEXAMETHASONE; FH I; GLUCOCORTICOID-SUPPRESSIBLE HYPERALDOSTERONISM. Identifiers: Orphanet 403, MedGen C3838731, MONDO:0007080, OMIM 103900.

Allele frequency attached by ClinVar (database versions not stated): 1000 Genomes Project 30x 0.30637; 1000 Genomes Project 0.30990; TOPMed 0.33656; gnomAD 0.34747 and 0.35137; gnomAD exomes 0.38095.
gnomAD v4.1: 53,657 of 152,058 alleles (35%); highest among the groups gnomAD compares: Non-Finnish European, 45%; 11,378 homozygotes.

Submissions (5):

GeneDx
Classification: Benign. Last evaluated: 2020-07-14. Review status: criteria provided, single submitter. Criteria: GeneDx Variant Classification Process June 2021. Collection method: clinical testing. Allele origin: germline. Affected: yes.
Comment: This variant is associated with the following publications: (PMID: 25351194)

Illumina Laboratory Services, Illumina
Classification: Benign for Corticosterone 18-monooxygenase deficiency. Last evaluated: 2018-01-13. Review status: criteria provided, single submitter. Criteria: ICSL Variant Classification Criteria 13 December 2019. Collection method: clinical testing. Allele origin: germline.
Comment: This variant was observed in the ICSL laboratory as part of a predisposition screen in an ostensibly healthy population. It had not been previously curated by ICSL or reported in the Human Gene Mutation Database (HGMD: prior to June 1st, 2018), and was therefore a candidate for classification through an automated scoring system. Utilizing variant allele frequency, disease prevalence and penetrance estimates, and inheritance mode, an automated score was calculated to assess if this variant is too frequent to cause the disease. Based on the score and internal cut-off values, a variant classified as benign is not then subjected to further curation. The score for this variant resulted in a classification of benign for this disease.

Illumina Laboratory Services, Illumina
Classification: Benign for Corticosterone methyloxidase type 2 deficiency. Last evaluated: 2018-01-13. Review status: criteria provided, single submitter. Criteria: ICSL Variant Classification Criteria 13 December 2019. Collection method: clinical testing. Allele origin: germline.
Comment: the same text as in the submission from Illumina Laboratory Services, Illumina above.

Illumina Laboratory Services, Illumina
Classification: Benign for Hyperaldosteronism, familial, type I. Last evaluated: 2018-01-13. Review status: criteria provided, single submitter. Criteria: ICSL Variant Classification Criteria 13 December 2019. Collection method: clinical testing. Allele origin: germline.
Comment: the same text as in the submission from Illumina Laboratory Services, Illumina above.

Breakthrough Genomics
Classification: Benign. Review status: criteria provided, single submitter. Criteria: ACMG Guidelines, 2015. Collection method: not provided. Allele origin: germline. Inheritance: Autosomal recessive inheritance. Affected: yes.